The following is an entry in ClinVar:

ClinVar aggregate classification (germline): Likely benign (1 of 4 stars; one submission).

Conditions:
FBLN5-related disorder. Also called: FBLN5-related condition.

Submission:

PreventionGenetics, part of Exact Sciences
Classification: Likely benign for FBLN5-related condition. Last evaluated: 2025-06-09. Review status: criteria provided, single submitter. Criteria: ACMG Guidelines, 2015. Collection method: clinical testing. Allele origin: germline.
Comment: This variant is classified as likely benign based on ACMG/AMP sequence variant interpretation guidelines (Richards et al. 2015 PMID: 25741868, with internal and published modifications).

NM_006329.4(FBLN5):c.447C>A (p.Gly149=)

Gene: FBLN5 (fibulin 5; minus strand). Cytogenetic location: 14q32.12.
Variant type: single nucleotide variant.
Coding change: c.447C>A on transcript NM_006329.4 (MANE Select); coding-DNA position 447, C replaced by A.
Protein change: p.Gly149=; no amino-acid change (glycine 149 retained).
Molecular consequence: synonymous variant.
Genome position (GRCh38, 1-based): chr14:91,895,005, G>T on the plus strand (C>A on the coding strand, the complement: FBLN5 is on the minus strand). VCF-style: chr14-91895005-G-T. GRCh37 (hg19) VCF-style: chr14-92361349-G-T.
Other names: c.570C>A, p.Gly190= (NM_001384158.1); c.498C>A, p.Gly166= (NM_001384159.1); c.447C>A, p.Gly149= (NM_001384160.1); c.279C>A, p.Gly93= (NM_001384161.1, NM_001384162.1).
Identifiers: ClinVar variation 4985025 (VCV004985025.1).
Genomic context (GRCh38, chr14:91,895,005, plus strand): 5'-GTTACCTAAGCACTGGCCTTCCAGAAGCCAATATCCGTCGGTGCAGGAGCAGGTGTACCC[G>T]CCTTCAGTATTGATGCAGATCTGGGTGGGGTTGCACTGGTGGGAATCTGTTGCACACTCG-3'
Protein context (NP_006320.2, residues 139-159): NPTQICINTE[Gly149=]GYTCSCTDGY